The following is an entry in ClinVar:

ClinVar aggregate classification (germline): Uncertain significance. Review status: criteria provided, multiple submitters, no conflicts (2 of 4 stars). 2 submissions from 2 submitters: Uncertain significance (2). Last evaluated 2025-06-30.

Conditions:
Inborn genetic diseases. Identifiers: MedGen C0950123, MeSH D030342.

gnomAD v4.1: 9 of 1,613,922 alleles (0.00056%); highest among the groups gnomAD compares: Middle Eastern, 0.016%; no homozygotes.

Submissions (2):

Ambry Genetics
Classification: Uncertain significance for Inborn genetic diseases. Last evaluated: 2025-06-30. Review status: criteria provided, single submitter. Criteria: Ambry Variant Classification Scheme 2023. Collection method: clinical testing. Allele origin: germline.
Comment: The p.P165T variant (also known as c.493C>A), located in coding exon 1 of the SAMD9 gene, results from a C to A substitution at nucleotide position 493. The proline at codon 165 is replaced by threonine, an amino acid with highly similar properties. This amino acid position is conserved. In addition, the in silico prediction for this alteration is inconclusive. Based on the available evidence, the clinical significance of this variant remains unclear.

Labcorp Genetics (formerly Invitae), Labcorp
Classification: Uncertain significance. Last evaluated: 2024-12-16. Review status: criteria provided, single submitter. Criteria: Invitae Variant Classification Sherloc (09022015). Collection method: clinical testing. Allele origin: germline.
Comment: This sequence change replaces proline, which is neutral and non-polar, with threonine, which is neutral and polar, at codon 165 of the SAMD9 protein (p.Pro165Thr). This variant is present in population databases (rs772878640, gnomAD 0.01%). This variant has not been reported in the literature in individuals affected with SAMD9-related conditions. Invitae Evidence Modeling of protein sequence and biophysical properties (such as structural, functional, and spatial information, amino acid conservation, physicochemical variation, residue mobility, and thermodynamic stability) has been performed for this missense variant. However, the output from this modeling did not meet the statistical confidence thresholds required to predict the impact of this variant on SAMD9 protein function. In summary, the available evidence is currently insufficient to determine the role of this variant in disease. Therefore, it has been classified as a Variant of Uncertain Significance.

NM_017654.4(SAMD9):c.493C>A (p.Pro165Thr)

Gene: SAMD9 (sterile alpha motif domain containing 9; minus strand). Cytogenetic location: 7q21.2.
Variant type: single nucleotide variant.
Coding change: c.493C>A on transcript NM_017654.4 (MANE Select); coding-DNA position 493, C replaced by A.
Protein change: p.Pro165Thr; replaces proline 165 with threonine.
Molecular consequence: missense variant.
Genome position (GRCh38, 1-based): chr7:93,105,605, G>T on the plus strand (C>A on the coding strand, the complement: SAMD9 is on the minus strand). VCF-style: chr7-93105605-G-T. GRCh37 (hg19) VCF-style: chr7-92734918-G-T.
Other names: c.493C>A, p.Pro165Thr (NM_001193307.2); c.493C>A (NM_017654.3); short protein forms P165T.
Identifiers: ClinVar variation 3619261 (VCV003619261.3).
Genomic context (GRCh38, chr7:93,105,605, plus strand): 5'-TTTCAGGCTGTAGACTAAAATCCAACTTGTAACGATATGGATTACTGAATTCATCAAATG[G>T]ATATGATACACATGTCAGGTCTATGGATGGTTGCCTTTCCTTTGTATAATCTATTTTATC-3'
Protein context (NP_060124.2, residues 155-175): PSIDLTCVSY[Pro165Thr]FDEFSNPYRY